The following is an entry in ClinVar:

NM_153240.5(NPHP3):c.913A>G (p.Ile305Val)

Genes: NPHP3 (nephrocystin 3; minus strand), NPHP3-ACAD11 (NPHP3-ACAD11 readthrough (NMD candidate); minus strand). Cytogenetic location: 3q22.1.
Variant type: single nucleotide variant.
Coding change: c.913A>G on transcript NM_153240.5 (MANE Select); coding-DNA position 913, A replaced by G.
Protein change: p.Ile305Val; replaces isoleucine 305 with valine.
Molecular consequence: missense variant. On other transcripts: non-coding transcript variant (1).
Genome position (GRCh38, 1-based): chr3:132,715,129, T>C on the plus strand (A>G on the coding strand, the complement: NPHP3 is on the minus strand). VCF-style: chr3-132715129-T-C. GRCh37 (hg19) VCF-style: chr3-132433973-T-C.
Other names: short protein forms I305V.
Identifiers: ClinVar variation 343390 (VCV000343390.13), dbSNP rs886058004, ClinGen allele CA10617400.

ClinVar aggregate classification (germline): Uncertain significance. Review status: criteria provided, multiple submitters, no conflicts (2 of 4 stars). 2 submissions from 2 submitters: Uncertain significance (2). Last evaluated 2024-01-17.

Conditions:
Nephronophthisis. Also called: Juvenile Nephronophthisis. Identifiers: Orphanet 655, MedGen C0687120, MONDO:0019005, HP:0000090.

Allele frequency attached by ClinVar (database versions not stated): gnomAD exomes below 0.00001; TOPMed below 0.00001.
gnomAD v4.1: 1 of 1,612,500 alleles (0.000062%); highest among the groups gnomAD compares: East Asian, 0.0022%; no homozygotes.

Submissions (2):

Labcorp Genetics (formerly Invitae), Labcorp
Classification: Uncertain significance for Nephronophthisis. Last evaluated: 2024-01-17. Review status: criteria provided, single submitter. Criteria: Invitae Variant Classification Sherloc (09022015). Collection method: clinical testing. Allele origin: germline.
Comment: This sequence change replaces isoleucine, which is neutral and non-polar, with valine, which is neutral and non-polar, at codon 305 of the NPHP3 protein (p.Ile305Val). This variant is not present in population databases (gnomAD no frequency). This variant has not been reported in the literature in individuals affected with NPHP3-related conditions. ClinVar contains an entry for this variant (Variation ID: 343390). Advanced modeling of protein sequence and biophysical properties (such as structural, functional, and spatial information, amino acid conservation, physicochemical variation, residue mobility, and thermodynamic stability) has been performed at Invitae for this missense variant, however the output from this modeling did not meet the statistical confidence thresholds required to predict the impact of this variant on NPHP3 protein function. In summary, the available evidence is currently insufficient to determine the role of this variant in disease. Therefore, it has been classified as a Variant of Uncertain Significance.

Eurofins Ntd Llc (ga)
Classification: Uncertain significance. Last evaluated: 2018-02-22. Review status: criteria provided, single submitter. Criteria: EGL ClinVar v180209 classification definitions. Collection method: clinical testing. Allele origin: germline. Observed: 1 variant allele, 1 heterozygote.